The following is an entry in ClinVar:

NM_007294.4(BRCA1):c.798_799del (p.Ser267fs)

Gene: BRCA1 (BRCA1 DNA repair associated; minus strand). Cytogenetic location: 17q21.31.
Variant type: Deletion.
Coding change: c.798_799del on transcript NM_007294.4 (MANE Select); coding-DNA positions 798 to 799, 2 bases deleted (TT; older notation c.798_799delTT).
Protein change: p.Ser267fs; shifts the reading frame from serine 267.
Molecular consequence: frameshift variant. On other transcripts: intron variant (137), 5 prime UTR variant (2).
Genome position (GRCh38, 1-based): chr17:43,094,732-43,094,733, AA deleted on the plus strand (TT on the coding strand, the reverse complement: BRCA1 is on the minus strand); deleting any 2 consecutive bases within chr17:43,094,732-43,094,734 gives the same sequence; the c. name uses the placement nearest the transcript's 3' end. VCF-style (leftmost placement, unchanged base first): chr17-43094731-GAA-G. GRCh37 (hg19) VCF-style: chr17-41246748-GAA-G.
Other names: 916delTT; 917_918delTT; 917delTT; c.798_799delTT (NM_007294.3); c.787+11_787+12delTT (NM_007299.3); c.646+11_646+12del (NM_001408461.1, NM_001408467.1, NM_001408459.1 and 11 more transcripts); c.784+11_784+12del (NM_001408397.1, NM_001408401.1, NM_001408396.1 and 13 more transcripts); c.664+11_664+12del (NM_001408436.1, NM_001408444.1, NM_001408438.1 and 12 more transcripts); and 45 more; short protein forms S220fs, S267fs, S155fs, S178fs, S179fs, S219fs, S226fs, S264fs.
Identifiers: ClinVar variation 37698 (VCV000037698.76), dbSNP rs80357724, ClinGen allele CA003881.

ClinVar aggregate classification (germline): Pathogenic. Review status: reviewed by expert panel (3 of 4 stars). 27 submissions from 27 submitters: Pathogenic (1). 26 of the submissions do not count toward it. Last evaluated 2016-04-22.

Conditions:
BRCA1-related cancer predisposition. Identifiers: MedGen CN377757, MONDO:0700268.
Breast and/or ovarian cancer. Identifiers: MedGen CN221562.
Familial cancer of breast. Also called: Hereditary breast cancer; hereditary breast carcinoma; BREAST CANCER, FAMILIAL. Identifiers: Orphanet 227535, MedGen C0346153, MONDO:0016419, OMIM 114480. Disease mechanism: loss of function.
Breast-ovarian cancer, familial, susceptibility to, 1 (BROVCA1). Also called: OVARIAN CANCER, SUSCEPTIBILITY TO; BRCA1 Hereditary Breast and Ovarian Cancer. Identifiers: Orphanet 145, MedGen C2676676, MONDO:0011450, OMIM 604370. Disease mechanism: loss of function.
Pancreatic cancer, susceptibility to, 4. Identifiers: Orphanet 1333, MedGen C3280442, MONDO:0013685, OMIM 614320.
Fanconi anemia, complementation group S (FANCS). Identifiers: MedGen C4554406, MONDO:0054748, OMIM 617883.
Hereditary cancer-predisposing syndrome. Also called: Tumor predisposition; Neoplastic Syndromes, Hereditary; Hereditary Cancer Syndrome; Hereditary neoplastic syndrome. Identifiers: Orphanet 140162, MedGen C0027672, MeSH D009386, MONDO:0015356.
Hereditary breast ovarian cancer syndrome. Also called: Hereditary breast and ovarian cancer syndrome (HBOC); Hereditary breast and ovarian cancer syndrome; Hereditary breast and ovarian cancer; Hereditary breast and/or ovarian cancer syndrome; Breast and ovarian cancer; BRCA1- and BRCA2-Associated Hereditary Breast and Ovarian Cancer. Identifiers: Orphanet 145, MedGen C0677776, MeSH D061325, MONDO:0003582. Disease mechanism: loss of function.

Submissions 1 to 7 of 27:

Evidence-based Network for the Interpretation of Germline Mutant Alleles (ENIGMA)
Classification: Pathogenic for Breast-ovarian cancer, familial, susceptibility to, 1. Last evaluated: 2016-04-22. Review status: reviewed by expert panel. Criteria: ENIGMA BRCA1/2 Classification Criteria (2015). Collection method: curation. Allele origin: germline.
Comment: Variant allele predicted to encode a truncated non-functional protein.

Ambry Genetics
Classification: Pathogenic for Hereditary cancer-predisposing syndrome. Last evaluated: 2026-05-08. Review status: criteria provided, single submitter. Criteria: Ambry Variant Classification Scheme 2023. Collection method: clinical testing. Allele origin: germline. Not counted in ClinVar's aggregate classification.
Comment: The c.798_799delTT alteration, located in exon 10 (coding exon 9) of the BRCA1 gene, consists of a deletion of 2 nucleotides from position 798 to 799, causing a translational frameshift with a predicted alternate stop codon after amino acids. This variant is expected to result in loss of function by premature protein truncation or nonsense-mediated mRNA decay. This variant was not reported in population-based cohorts in the Genome Aggregation Database (gnomAD). This variant has previously been reported in multiple individuals diagnosed with breast and/or ovarian cancer (Gayther, 1995; Zhang, 2011; Mahfoudh, 2012; Laraqui, 2013; Azzollini, 2016). It was also seen in a pancreatic cancer cohort (Lowery, 2018). Of note, this alteration is also designated as 916delTT in published literature. Based on the available evidence, this alteration is classified as pathogenic.

Labcorp Genetics (formerly Invitae), Labcorp
Classification: Pathogenic for Hereditary breast ovarian cancer syndrome. Last evaluated: 2025-12-01. Review status: criteria provided, single submitter. Criteria: Invitae Variant Classification Sherloc (09022015). Collection method: clinical testing. Allele origin: germline. Not counted in ClinVar's aggregate classification.
Comment: This sequence change creates a premature translational stop signal (p.Ser267Lysfs*19) in the BRCA1 gene. It is expected to result in an absent or disrupted protein product. Loss-of-function variants in BRCA1 are known to be pathogenic (PMID: 20104584). This variant is not present in population databases (gnomAD no frequency). This premature translational stop signal has been observed in individual(s) with breast and/or ovarian cancer (PMID: 2206311, 7493024, 17221156, 18159056, 18645608, 21324516, 21603858, 23233716, 23289006, 24312913, 25814778, 26010302, 26864382). It is commonly reported in individuals of North Africa including Tunisia, Algeria, and Morocco ancestry (PMID: 2206311, 7493024, 17221156, 18159056, 18645608, 21324516, 21603858, 23233716, 23289006, 24312913, 25814778, 26010302, 26864382). This variant is also known as 917delTT and 916delTT. ClinVar contains an entry for this variant (Variation ID: 37698). For these reasons, this variant has been classified as Pathogenic.

All of Us Research Program, National Institutes of Health
Classification: Pathogenic for BRCA1-related cancer predisposition. Last evaluated: 2024-04-25. Review status: criteria provided, single submitter. Criteria: ACMG Guidelines, 2015. Collection method: clinical testing. Allele origin: germline. Inheritance: Autosomal dominant inheritance. Observed: 2 variant alleles, 2 heterozygotes. Not counted in ClinVar's aggregate classification.
Comment: This variant deletes 2 nucleotides in exon 10 of the BRCA1 gene, creating a frameshift and premature translation stop signal. This variant is expected to result in an absent or non-functional protein product. This variant is also known as 917delTT and 916delTT in the literature. This variant has been reported in over 10 individuals and families affected with hereditary breast and/or ovarian cancer (PMID: 17221156, 18159056, 18645608, 20683152, 21603858, 23289006, 24312913, 24606420, 25814778, 27062684, 29907814) and is thought to be a founder mutation in the Mediterranean population (PMID: 24312913, 24606420). This variant has not been identified in the general population by the Genome Aggregation Database (gnomAD). Loss of BRCA1 function is a known mechanism of disease. Based on the available evidence, this variant is classified as Pathogenic.

This study involves interpretation of variants in research participants for the purpose of population health screening. Participant phenotype was not available at the time of variant classification. Additional details can be found in publication PMID: 35346344, PMCID: PMC8962531

Color Diagnostics, LLC DBA Color Health
Classification: Pathogenic for Hereditary cancer-predisposing syndrome. Last evaluated: 2024-03-07. Review status: criteria provided, single submitter. Criteria: ACMG Guidelines, 2015. Collection method: clinical testing. Allele origin: germline. Not counted in ClinVar's aggregate classification.
Comment: This variant deletes 2 nucleotides in exon 10 of the BRCA1 gene, creating a frameshift and premature translation stop signal. This variant is expected to result in an absent or non-functional protein product. This variant is also known as 917delTT and 916delTT in the literature. This variant has been reported in over 10 individuals and families affected with hereditary breast and/or ovarian cancer (PMID: 17221156, 18159056, 18645608, 20683152, 21603858, 23289006, 24312913, 24606420, 25814778, 27062684, 29907814) and is thought to be a founder mutation in the Mediterranean population (PMID: 24312913, 24606420). This variant has not been identified in the general population by the Genome Aggregation Database (gnomAD). Loss of BRCA1 function is a known mechanism of disease. Based on the available evidence, this variant is classified as Pathogenic.

Baylor Genetics
Classification: Pathogenic for Breast-ovarian cancer, familial, susceptibility to, 1. Last evaluated: 2024-01-22. Review status: criteria provided, single submitter. Criteria: ACMG Guidelines, 2015. Collection method: clinical testing. Allele origin: unknown. Not counted in ClinVar's aggregate classification.

GeneDx
Classification: Pathogenic. Last evaluated: 2023-07-28. Review status: criteria provided, single submitter. Criteria: GeneDx Variant Classification Process June 2021. Collection method: clinical testing. Allele origin: germline. Affected: yes. Not counted in ClinVar's aggregate classification.
Comment: Frameshift variant predicted to result in protein truncation or nonsense mediated decay in a gene for which loss-of-function is a known mechanism of disease; Observed in individuals with a personal or family history consistent with pathogenic variants in this gene and described as a North African founder variant (Walsh et al., 2011; Uhrhammer et al., 2008; Mahfoudh et al., 2012; Laraqui et al., 2013; De Brakeleer et al., 2015); Not observed in large population cohorts (gnomAD); Truncating variants in this gene are considered pathogenic by a well-established clinical consortium and/or database; Also known as 917_918delTT; This variant is associated with the following publications: (PMID: 22006311, 31921681, 28776284, 33558524, 7493024, 22684231, 25814778, 18645608, 21324516, 15829246, 22425665, 22460208, 26010302, 26864382, 22866093, 27446417, 28212807, 27225819, 26320393, 25780794, 21603858, 23289006, 28478614, 27062684, 29907814, 30606148, 29506128, 31454914, 31447099, 33084842, 32341426, 30787465, 34290354, 32438681, 34646395, 28888541, 33804961)